The following is an entry in ClinVar:

NM_003872.3(NRP2):c.1989G>A (p.Lys663=)

Genes: NRP2 (neuropilin 2; plus strand), LOC126806481 (CDK7 strongly-dependent group 2 enhancer GRCh37_chr2:206617009-206618208; plus strand). Cytogenetic location: 2q33.3.
Variant type: single nucleotide variant.
Coding change: c.1989G>A on transcript NM_003872.3 (MANE Select); coding-DNA position 1989, G replaced by A.
Protein change: p.Lys663=; no amino-acid change (lysine 663 retained).
Molecular consequence: synonymous variant.
Genome position (GRCh38, 1-based): chr2:205,752,920, G>A. VCF-style: chr2-205752920-G-A. GRCh37 (hg19) VCF-style: chr2-206617644-G-A.
Other names: c.1989G>A, p.Lys663= (NM_018534.4, NM_201266.2, NM_201267.2 and 1 more transcripts).
Identifiers: ClinVar variation 3050242 (VCV003050242.2), dbSNP rs757349981, ClinGen allele CA2069280.

ClinVar aggregate classification (germline): Likely benign (0 of 4 stars; one submission).

Conditions:
NRP2-related disorder. Also called: NRP2-related condition.

Allele frequency attached by ClinVar (database versions not stated): gnomAD exomes below 0.00001; gnomAD 0.00001; TOPMed 0.00001; ExAC 0.00002.
gnomAD v4.1: 5 of 1,614,044 alleles (0.00031%); highest among the groups gnomAD compares: Admixed American, 0.0067%; no homozygotes.

Submission:

PreventionGenetics, part of Exact Sciences
Classification: Likely benign for NRP2-related condition. Last evaluated: 2024-01-03. Review status: no assertion criteria provided. Collection method: clinical testing. Allele origin: germline.
Comment: This variant is classified as likely benign based on ACMG/AMP sequence variant interpretation guidelines (Richards et al. 2015 PMID: 25741868, with internal and published modifications).